The following is an entry in ClinVar:

NM_001379500.1(COL18A1):c.2214+1G>A

Gene: COL18A1 (collagen type XVIII alpha 1 chain; plus strand). Cytogenetic location: 21q22.3.
Variant type: single nucleotide variant.
Coding change: c.2214+1G>A on transcript NM_001379500.1 (MANE Select); the canonical splice donor site of the intron after coding-DNA position 2214, G replaced by A.
Molecular consequence: splice donor variant.
Genome position (GRCh38, 1-based): chr21:45,492,714, G>A. VCF-style: chr21-45492714-G-A. GRCh37 (hg19) VCF-style: chr21-46912628-G-A.
Other names: c.3459+1G>A (NM_130444.3); c.2754+1G>A (NM_030582.4).
Identifiers: ClinVar variation 1484134 (VCV001484134.27), dbSNP rs151228115, ClinGen allele CA10066921.

ClinVar aggregate classification (germline): Conflicting classifications of pathogenicity. Review status: criteria provided, conflicting classifications (1 of 4 stars). 3 submissions from 3 submitters: Likely pathogenic (2); Uncertain significance (1). Last evaluated 2025-11-13.

Allele frequency attached by ClinVar (database versions not stated): ESP Exome Variant Server 0.00008; 1000 Genomes Project 30x 0.00016; 1000 Genomes Project 0.00020.
gnomAD v4.1: 17 of 1,606,756 alleles (0.0011%); highest among the groups gnomAD compares: African/African-American, 0.0053%; no homozygotes.

Submissions (4):

Labcorp Genetics (formerly Invitae), Labcorp
Classification: Likely pathogenic. Last evaluated: 2025-11-13. Review status: criteria provided, single submitter. Criteria: Invitae Variant Classification Sherloc (09022015). Collection method: clinical testing. Allele origin: germline.
Comment: This sequence change affects a donor splice site in intron 24 of the COL18A1 gene. It is expected to disrupt RNA splicing. Variants that disrupt the donor or acceptor splice site typically lead to a loss of protein function (PMID: 16199547), and loss-of-function variants in COL18A1 are known to be pathogenic (PMID: 12415512, 25456301). This variant is present in population databases (rs151228115, gnomAD 0.006%). This variant has not been reported in the literature in individuals affected with COL18A1-related conditions. ClinVar contains an entry for this variant (Variation ID: 1484134). Algorithms developed to predict the effect of sequence changes on RNA splicing suggest that this variant may disrupt the consensus splice site. In summary, the currently available evidence indicates that the variant is pathogenic, but additional data are needed to prove that conclusively. Therefore, this variant has been classified as Likely Pathogenic.

Blueprint Genetics
Classification: Uncertain significance. Last evaluated: 2024-11-04. Review status: criteria provided, single submitter. Criteria: ACMG Guidelines, 2015. Collection method: clinical testing. Allele origin: germline.

CeGaT Center for Human Genetics Tuebingen
Classification: Likely pathogenic. Last evaluated: 2024-05-01. Review status: criteria provided, single submitter. Criteria: CeGaT Center For Human Genetics Tuebingen Variant Classification Criteria Version 2. Collection method: clinical testing. Allele origin: germline. Affected: yes. Observed: 1 variant allele.
Comment: COL18A1: PVS1:Strong, PM2

Dr. Peter K. Rogan Lab, Western University
No classification provided (evidence only). Condition: Lung cancer. Review status: no classification provided. Collection method: in vitro. Allele origin: not applicable. Functional consequence: skipped exon, retained intron. Not counted in ClinVar's aggregate classification.

Literature cited by the submitters: PubMed 16199547 (cited by Labcorp Genetics (formerly Invitae), Labcorp); PubMed 12415512 (cited by Labcorp Genetics (formerly Invitae), Labcorp); PubMed 25456301 (cited by Labcorp Genetics (formerly Invitae), Labcorp).